The following is an entry in ClinVar:

ClinVar aggregate classification (germline): Conflicting classifications of pathogenicity. Review status: criteria provided, conflicting classifications (1 of 4 stars). 9 submissions from 8 submitters: Uncertain significance (6); Likely benign (2). 1 of the submissions does not count toward it. Last evaluated 2026-04-28.

Conditions:
Otospondylomegaepiphyseal dysplasia, autosomal recessive (OSMEDB). Also called: Insley-Astley syndrome; CHONDRODYSTROPHY WITH SENSORINEURAL DEAFNESS. Identifiers: Orphanet 1427, MedGen CN034493, MONDO:0044206, OMIM 215150.
COL11A2-related disorder. Also called: COL11A2-related disorders; COL11A2-related condition.
Fibrochondrogenesis 2 (FBCG2). Identifiers: Orphanet 2021, MedGen C3281128, MONDO:0013795, OMIM 614524.

Allele frequency attached by ClinVar (database versions not stated): ExAC 0.00017; gnomAD 0.00021 and 0.00023; gnomAD exomes 0.00022 and 0.00047; TOPMed 0.00024; 1000 Genomes Project 0.00040; ESP Exome Variant Server 0.00046; 1000 Genomes Project 30x 0.00047.
gnomAD v4.1: 723 of 1,612,480 alleles (0.045%); highest among the groups gnomAD compares: Non-Finnish European, 0.056%; 2 homozygotes.

Submissions (9):

Women's Health and Genetics/Laboratory Corporation of America, LabCorp
Classification: Uncertain significance. Last evaluated: 2026-04-28. Review status: criteria provided, single submitter. Criteria: LabCorp Variant Classification Summary - May 2015. Collection method: clinical testing. Allele origin: germline.
Comment: Variant summary: COL11A2 c.4651C>T (p.Arg1551Trp) results in a non-conservative amino acid change in the encoded protein sequence. Algorithms developed to predict the effect of missense changes on protein structure and function all suggest that this variant is likely to be disruptive. The variant allele was found at a frequency of 0.00022 in 249720 control chromosomes in the gnomAD database, including 1 homozygote. This frequency is not significantly higher than estimated for disease-causing variants in COL11A2, allowing no conclusion about variant significance. To our knowledge, no occurrence of c.4651C>T in individuals affected with COL11A2-related conditions and no experimental evidence demonstrating its impact on protein function have been reported. ClinVar contains an entry for this variant (Variation ID: 356383). Based on the evidence outlined above, the variant was classified as uncertain significance.

Labcorp Genetics (formerly Invitae), Labcorp
Classification: Likely benign. Last evaluated: 2026-01-26. Review status: criteria provided, single submitter. Criteria: Invitae Variant Classification Sherloc (09022015). Collection method: clinical testing. Allele origin: germline.

Blueprint Genetics
Classification: Uncertain significance. Last evaluated: 2024-11-05. Review status: criteria provided, single submitter. Criteria: ACMG Guidelines, 2015. Collection method: clinical testing. Allele origin: germline.

CeGaT Center for Human Genetics Tuebingen
Classification: Uncertain significance. Last evaluated: 2022-09-01. Review status: criteria provided, single submitter. Criteria: CeGaT Center For Human Genetics Tuebingen Variant Classification Criteria Version 2. Collection method: clinical testing. Allele origin: germline. Affected: yes. Observed: 1 variant allele.

GeneDx
Classification: Likely benign. Last evaluated: 2021-06-25. Review status: criteria provided, single submitter. Criteria: GeneDx Variant Classification Process June 2021. Collection method: clinical testing. Allele origin: germline. Affected: yes.

Illumina Laboratory Services, Illumina
Classification: Uncertain significance for Otospondylomegaepiphyseal dysplasia, autosomal recessive. Last evaluated: 2018-01-12. Review status: criteria provided, single submitter. Criteria: ICSL Variant Classification Criteria 13 December 2019. Collection method: clinical testing. Allele origin: germline.

Illumina Laboratory Services, Illumina
Classification: Uncertain significance for Fibrochondrogenesis 2. Last evaluated: 2018-01-12. Review status: criteria provided, single submitter. Criteria: ICSL Variant Classification Criteria 13 December 2019. Collection method: clinical testing. Allele origin: germline.

Laboratory for Molecular Medicine, Mass General Brigham Personalized Medicine
Classification: Uncertain significance. Last evaluated: 2017-01-24. Review status: criteria provided, single submitter. Criteria: LMM Criteria. Collection method: clinical testing. Allele origin: germline. Observed: 2 variant alleles.
Comment: The variant has also been identified in 12/66340 European chromosomes by the Exome Aggregation Consortium (ExAC; dbSNP rs141254777) . Computational prediction tools and conservation analyses do not provide strong support for or against an impact to the protein. In summary, the clinical signi ficance of the p.Arg1551Trp variant is uncertain.

PreventionGenetics, part of Exact Sciences
Classification: Uncertain significance for COL11A2-related condition. Last evaluated: 2024-06-28. Review status: no assertion criteria provided. Collection method: clinical testing. Allele origin: germline. Not counted in ClinVar's aggregate classification.
Comment: The COL11A2 c.4651C>T variant is predicted to result in the amino acid substitution p.Arg1551Trp. To our knowledge, this variant has not been reported in the literature. This variant is reported in 0.045% of alleles in individuals of Latino descent in gnomAD, including one homozygote. Although we suspect that this variant may be benign, at this time, the clinical significance of this variant is uncertain due to the absence of conclusive functional and genetic evidence.

NM_080680.3(COL11A2):c.4651C>T (p.Arg1551Trp)

Gene: COL11A2 (collagen type XI alpha 2 chain; minus strand). Cytogenetic location: 6p21.32.
Variant type: single nucleotide variant.
Coding change: c.4651C>T on transcript NM_080680.3 (MANE Select); coding-DNA position 4651, C replaced by T.
Protein change: p.Arg1551Trp; replaces arginine 1551 with tryptophan.
Molecular consequence: missense variant.
Genome position (GRCh38, 1-based): chr6:33,165,648, G>A on the plus strand (C>T on the coding strand, the complement: COL11A2 is on the minus strand). VCF-style: chr6-33165648-G-A. GRCh37 (hg19) VCF-style: chr6-33133425-G-A.
Other names: c.4330C>T, p.Arg1444Trp (NM_080679.3); c.4393C>T, p.Arg1465Trp (NM_080681.3); short protein forms R1551W, R1465W, R1444W.
Identifiers: ClinVar variation 356383 (VCV000356383.45), dbSNP rs141254777, ClinGen allele CA3750029.